The following is an entry in ClinVar:

ClinVar aggregate classification (germline): Uncertain significance (1 of 4 stars; one submission).

Conditions:
Perrault syndrome 4 (PRLTS4). Identifiers: Orphanet 2855, MedGen C3809105, MONDO:0014126, OMIM 615300.

Allele frequency attached by ClinVar (database versions not stated): TOPMed 0.00001; ExAC 0.00002.
gnomAD v4.1: 20 of 1,614,088 alleles (0.0012%); highest among the groups gnomAD compares: Non-Finnish European, 0.0017%; no homozygotes.

Submission:

Neuberg Centre For Genomic Medicine, NCGM
Classification: Uncertain significance for Perrault syndrome 4. Review status: criteria provided, single submitter. Criteria: ACMG Guidelines, 2015. Collection method: clinical testing. Allele origin: germline. Inheritance: Autosomal recessive inheritance. Affected: yes.
Comment: The c.1291C>T (p.Arg431Trp) missense variant in LARS2 gene has not been reported previously as a pathogenic variant nor as a benign variant, to our knowledge. This variant is reported with the allele frequency (0.001%) in the gnomad and novel in 1000 genome database. The amino acid Arg at position 431 is changed to a Trp changing protein sequence and it might alter its composition and physico-chemical properties. The amino acid change p.Arg431Trp in LARS2 is predicted as conserved by GERP++ and PhyloP across 100 vertebrates. For these reasons, this variant has been classified as Variant of Uncertain Significance (VUS).

NM_015340.4(LARS2):c.1291C>T (p.Arg431Trp)

Genes: LARS2 (leucyl-tRNA synthetase 2, mitochondrial; plus strand), LARS2-AS1 (LARS2 antisense RNA 1; minus strand). Cytogenetic location: 3p21.31.
Variant type: single nucleotide variant.
Coding change: c.1291C>T on transcript NM_015340.4 (MANE Select); coding-DNA position 1291, C replaced by T.
Protein change: p.Arg431Trp; replaces arginine 431 with tryptophan.
Molecular consequence: missense variant.
Genome position (GRCh38, 1-based): chr3:45,491,568, C>T. VCF-style: chr3-45491568-C-T. GRCh37 (hg19) VCF-style: chr3-45533060-C-T.
Other names: c.1291C>T, p.Arg431Trp (NM_001368263.1); short protein forms R431W.
Identifiers: ClinVar variation 2584810 (VCV002584810.1), dbSNP rs777797843, ClinGen allele CA2349575.